The following is an entry in ClinVar:

NM_002692.4(POLE2):c.492+1G>A

Gene: POLE2 (DNA polymerase epsilon 2, accessory subunit; minus strand). Cytogenetic location: 14q21.3.
Variant type: single nucleotide variant.
Coding change: c.492+1G>A on transcript NM_002692.4 (MANE Select); the canonical splice donor site of the intron after coding-DNA position 492, G replaced by A.
Molecular consequence: splice donor variant.
Genome position (GRCh38, 1-based): chr14:49,669,523, C>T on the plus strand (G>A on the coding strand, the complement: POLE2 is on the minus strand). VCF-style: chr14-49669523-C-T. GRCh37 (hg19) VCF-style: chr14-50136241-C-T.
Other names: c.414+1G>A (NM_001197330.2); c.492+1G>A (NM_001348384.2, NM_001197331.3); c.261+1G>A (NM_001348385.2).
Identifiers: ClinVar variation 2040630 (VCV002040630.4), dbSNP rs2502887524, ClinGen allele CA389609016.

ClinVar aggregate classification (germline): Uncertain significance (1 of 4 stars; one submission).

Submission:

Labcorp Genetics (formerly Invitae), Labcorp
Classification: Uncertain significance. Last evaluated: 2021-12-12. Review status: criteria provided, single submitter. Criteria: Invitae Variant Classification Sherloc (09022015). Collection method: clinical testing. Allele origin: germline.
Comment: This variant is not present in population databases (gnomAD no frequency). In summary, the available evidence is currently insufficient to determine the role of this variant in disease. Therefore, it has been classified as a Variant of Uncertain Significance. Algorithms developed to predict the effect of sequence changes on RNA splicing suggest that this variant may disrupt the consensus splice site. This variant has not been reported in the literature in individuals affected with POLE2-related conditions. This sequence change affects a donor splice site in intron 6 of the POLE2 gene. It is expected to disrupt RNA splicing. Variants that disrupt the donor or acceptor splice site typically lead to a loss of protein function (PMID: 16199547), however the current clinical and genetic evidence is not sufficient to establish whether loss-of-function variants in POLE2 cause disease.

Literature cited by the submitters: PubMed 16199547.